The following is an entry in ClinVar:

NM_002582.4(PARN):c.1865-97C>T

Gene: PARN (poly(A)-specific ribonuclease; minus strand). Cytogenetic location: 16p13.12.
Variant type: single nucleotide variant.
Coding change: c.1865-97C>T on transcript NM_002582.4 (MANE Select); 97 bases into the intron before coding-DNA position 1865, C replaced by T.
Molecular consequence: intron variant.
Genome position (GRCh38, 1-based): chr16:14,436,869, G>A on the plus strand (C>T on the coding strand, the complement: PARN is on the minus strand). VCF-style: chr16-14436869-G-A. GRCh37 (hg19) VCF-style: chr16-14530726-G-A.
Other names: c.1682-97C>T (NM_001134477.3); c.1727-97C>T (NM_001242992.2).
Identifiers: ClinVar variation 1178066 (VCV001178066.5), dbSNP rs113631743, ClinGen allele CA14325104.

ClinVar aggregate classification (germline): Benign. Review status: criteria provided, multiple submitters, no conflicts (2 of 4 stars). 3 submissions from 3 submitters: Benign (3). Last evaluated 2024-01-24.

Allele frequency attached by ClinVar (database versions not stated): gnomAD 0.16756 and 0.16981; gnomAD exomes 0.20109; 1000 Genomes Project 0.09625; 1000 Genomes Project 30x 0.09635; TOPMed 0.15395.
gnomAD v4.1: 168,766 of 864,516 alleles (20%); highest among the groups gnomAD compares: Middle Eastern, 29%; 18,695 homozygotes.

Submissions (3):

Unidad de Genómica Garrahan, Hospital de Pediatría Garrahan
Classification: Benign. Last evaluated: 2024-01-24. Review status: criteria provided, single submitter. Criteria: ACMG Guidelines, 2015. Collection method: clinical testing. Allele origin: germline. Affected: no. Observed: 19 variant alleles.
Comment: This variant is classified as Benign based on local population frequency. This variant was detected in 20% of patients studied by a panel of primary immunodeficiencies. Number of patients: 19. Only high quality variants are reported.

GeneDx
Classification: Benign. Last evaluated: 2019-04-03. Review status: criteria provided, single submitter. Criteria: GeneDx Variant Classification Process June 2021. Collection method: clinical testing. Allele origin: germline. Affected: yes.

Breakthrough Genomics
Classification: Benign. Review status: criteria provided, single submitter. Criteria: ACMG Guidelines, 2015. Collection method: not provided. Allele origin: germline. Inheritance: Autosomal recessive inheritance. Affected: yes.